The following is an entry in ClinVar:

NM_020975.6(RET):c.1998delinsTTCT (p.Lys666delinsAsnSer)

Gene: RET (ret proto-oncogene; plus strand). Cytogenetic location: 10q11.21.
Variant type: Indel.
Coding change: c.1998delinsTTCT on transcript NM_020975.6 (MANE Select); coding-DNA position 1998, G replaced by TTCT.
Protein change: p.Lys666delinsAsnSer.
Molecular consequence: inframe indel.
Genome position (GRCh38, 1-based): chr10:43,114,598, G replaced by TTCT. VCF-style: chr10-43114598-G-TTCT. GRCh37 (hg19) VCF-style: chr10-43610046-G-TTCT.
Other names: c.1998delGinsTTCT, p.Lys666delinsAsnSer (NM_000323.2, NM_001406743.1, NM_001406744.1 and 4 more transcripts); c.1236delGinsTTCT, p.Lys412delinsAsnSer (NM_001355216.2); c.1869delGinsTTCT, p.Lys623delinsAsnSer (NM_001406761.1, NM_001406762.1, NM_001406764.1); c.1710delGinsTTCT, p.Lys570delinsAsnSer (NM_001406766.1, NM_001406767.1, NM_001406770.1); c.1602delGinsTTCT, p.Lys534delinsAsnSer (NM_001406769.1, NM_001406772.1); c.1560delGinsTTCT, p.Lys520delinsAsnSer (NM_001406771.1, NM_001406773.1); c.1473delGinsTTCT, p.Lys491delinsAsnSer (NM_001406774.1); c.1272delGinsTTCT, p.Lys424delinsAsnSer (NM_001406775.1, NM_001406776.1, NM_001406777.1 and 1 more transcripts); and 7 more.
Identifiers: ClinVar variation 1897685 (VCV001897685.6), dbSNP rs377767440, ClinGen allele CA128327.

ClinVar aggregate classification (germline): Likely pathogenic. Review status: criteria provided, multiple submitters, no conflicts (2 of 4 stars). 2 submissions from 2 submitters: Likely pathogenic (2). Last evaluated 2024-01-05.

Conditions:
Multiple endocrine neoplasia, type 2 (MEN2). Identifiers: Orphanet 653, MedGen C4048306, MONDO:0019003. Disease mechanism: gain of function.
Multiple endocrine neoplasia type 2A. Also called: MULTIPLE ENDOCRINE NEOPLASIA, TYPE IIA; PTC SYNDROME; SIPPLE SYNDROME; MEN 2A; MEN-2A syndrome; Pheochromocytoma and amyloid producing medullary thyroid carcinoma. Identifiers: Orphanet 247698, Orphanet 653, MedGen C0025268, MeSH D018813, MONDO:0008234, OMIM 171400.

Submissions (2):

Myriad Genetics, Inc.
Classification: Likely pathogenic for Multiple endocrine neoplasia type 2A. Last evaluated: 2024-01-05. Review status: criteria provided, single submitter. Criteria: Myriad Autosomal Dominant, Autosomal Recessive and X-Linked Classification Criteria (2023). Collection method: clinical testing. Allele origin: unknown.
Comment: This variant is considered likely pathogenic. Functional studies indicate this variant impacts protein function [PMID: 16954442]. This variant has been reported in multiple individuals with clinical features of gene-specific disease [PMID: 16954442, 15844786, 17639053, 27673361, 29408964, 20103606].

Labcorp Genetics (formerly Invitae), Labcorp
Classification: Likely pathogenic for Multiple endocrine neoplasia, type 2. Last evaluated: 2023-05-29. Review status: criteria provided, single submitter. Criteria: Invitae Variant Classification Sherloc (09022015). Collection method: clinical testing. Allele origin: germline.
Comment: In summary, the currently available evidence indicates that the variant is pathogenic, but additional data are needed to prove that conclusively. Therefore, this variant has been classified as Likely Pathogenic. Experimental studies have shown that this variant affects RET function (PMID: 16954442). Algorithms developed to predict the effect of variants on protein structure and function are not available or were not evaluated for this variant. This variant is also known as c.2646delGinsTTCT or Lys666Asn, ins Ser. This variant has been observed in individuals with familial medullary thyroid carcinoma (PMID: 1694442, 15844786, 16954442; Invitae). It has also been observed to segregate with disease in related individuals. This variant is not present in population databases (gnomAD no frequency). This variant, c.1998delinsTTCT , is a complex sequence change that results in the deletion of 1 and insertion of 2 amino acid(s) in the RET protein (p.Lys666delinsAsnSer).

Literature cited by the submitters: PubMed 16954442 (cited by Myriad Genetics, Inc. and Labcorp Genetics (formerly Invitae), Labcorp); PubMed 15844786 (cited by Myriad Genetics, Inc. and Labcorp Genetics (formerly Invitae), Labcorp); PubMed 17639053 (cited by Myriad Genetics, Inc.); PubMed 27673361 (cited by Myriad Genetics, Inc.); PubMed 29408964 (cited by Myriad Genetics, Inc.); PubMed 20103606 (cited by Myriad Genetics, Inc.); PubMed 1694442 (cited by Labcorp Genetics (formerly Invitae), Labcorp).